The following is an entry in ClinVar:

NM_006158.5(NEFL):c.1332del (p.Ser445fs)

Gene: NEFL (neurofilament light chain; minus strand). Cytogenetic location: 8p21.2.
Variant type: Deletion.
Coding change: c.1332del on transcript NM_006158.5 (MANE Select); coding-DNA position 1332, one base deleted (C; older notation c.1332delC).
Protein change: p.Ser445fs; shifts the reading frame from serine 445.
Molecular consequence: frameshift variant.
Genome position (GRCh38, 1-based): chr8:24,953,633, G deleted on the plus strand (C on the coding strand, the reverse complement: NEFL is on the minus strand); the first of 2 consecutive G bases (chr8:24,953,633-24,953,634); deleting either gives the same sequence. VCF-style (leftmost placement, unchanged base first): chr8-24953632-TG-T. GRCh37 (hg19) VCF-style: chr8-24811146-TG-T.
Other names: short protein forms S445fs.
Identifiers: ClinVar variation 2700596 (VCV002700596.3), dbSNP rs2486881560, ClinGen allele CA2697549787.

ClinVar aggregate classification (germline): Uncertain significance (1 of 4 stars; one submission).

Conditions:
Charcot-Marie-Tooth disease type 2E (CMT2E). Also called: CHARCOT-MARIE-TOOTH DISEASE, AXONAL, TYPE 2E; CHARCOT-MARIE-TOOTH NEUROPATHY, TYPE 2E. Identifiers: Orphanet 99939, MedGen C1843225, MONDO:0011894, OMIM 607684.

Submission:

Labcorp Genetics (formerly Invitae), Labcorp
Classification: Uncertain significance for Charcot-Marie-Tooth disease type 2E. Last evaluated: 2023-12-03. Review status: criteria provided, single submitter. Criteria: Invitae Variant Classification Sherloc (09022015). Collection method: clinical testing. Allele origin: germline.
Comment: This sequence change results in a frameshift in the NEFL gene (p.Ser445Alafs*105). While this is not anticipated to result in nonsense mediated decay, it is expected to disrupt the last 99 amino acid(s) of the NEFL protein and extend the protein by 5 additional amino acid residues. This variant is not present in population databases (gnomAD no frequency). This variant has not been reported in the literature in individuals affected with NEFL-related conditions. Experimental studies and prediction algorithms are not available or were not evaluated, and the functional significance of this variant is currently unknown. Algorithms developed to predict the effect of sequence changes on RNA splicing suggest that this variant may create or strengthen a splice site. In summary, the available evidence is currently insufficient to determine the role of this variant in disease. Therefore, it has been classified as a Variant of Uncertain Significance.